The following is an entry in ClinVar:

ClinVar aggregate classification (germline): Benign (0 of 4 stars; one submission).

Conditions:
NLRP2-related disorder. Also called: NLRP2-related condition.

Allele frequency attached by ClinVar (database versions not stated): 1000 Genomes Project 30x 0.08307; 1000 Genomes Project 0.08486; TOPMed 0.13030; gnomAD 0.14269; ESP Exome Variant Server 0.14493; ExAC 0.14612.

Submission:

PreventionGenetics, part of Exact Sciences
Classification: Benign for NLRP2-related condition. Last evaluated: 2019-10-25. Review status: no assertion criteria provided. Collection method: clinical testing. Allele origin: germline.
Comment: This variant is classified as benign based on ACMG/AMP sequence variant interpretation guidelines (Richards et al. 2015 PMID: 25741868, with internal and published modifications).

NM_017852.5(NLRP2):c.15G>A (p.Ala5=)

Gene: NLRP2 (NLR family pyrin domain containing 2; plus strand). Cytogenetic location: 19q13.42.
Variant type: single nucleotide variant.
Coding change: c.15G>A on transcript NM_017852.5 (MANE Select); coding-DNA position 15, G replaced by A.
Protein change: p.Ala5=; no amino-acid change (alanine 5 retained).
Molecular consequence: synonymous variant. On other transcripts: non-coding transcript variant (1).
Genome position (GRCh38, 1-based): chr19:54,970,030, G>A. VCF-style: chr19-54970030-G-A. GRCh37 (hg19) VCF-style: chr19-55481398-G-A.
Other names: c.15G>A, p.Ala5= (NM_001174081.3, NM_001174082.3, NM_001174083.2 and 1 more transcripts).
Identifiers: ClinVar variation 3055369 (VCV003055369.2), dbSNP rs269912, ClinGen allele CA310058829.